The following is an entry in ClinVar:

NM_000371.4(TTR):c.118G>A (p.Val40Ile)

Gene: TTR (transthyretin; plus strand). Cytogenetic location: 18q12.1.
Variant type: single nucleotide variant.
Coding change: c.118G>A on transcript NM_000371.4 (MANE Select); coding-DNA position 118, G replaced by A.
Protein change: p.Val40Ile; replaces valine 40 with isoleucine.
Molecular consequence: missense variant.
Genome position (GRCh38, 1-based): chr18:31,592,944, G>A. VCF-style: chr18-31592944-G-A. GRCh37 (hg19) VCF-style: chr18-29172907-G-A.
Other names: V20I; p.V40I:GTC>ATC; short protein forms V40I.
Identifiers: ClinVar variation 13455 (VCV000013455.53), dbSNP rs121918093, ClinGen allele CA256849.
Genomic context (GRCh38, chr18:31,592,944, plus strand): 5'-CTCTACACCCAGGGCACCGGTGAATCCAAGTGTCCTCTGATGGTCAAAGTTCTAGATGCT[G>A]TCCGAGGCAGTCCTGCCATCAATGTGGCCGTGCATGTGTTCAGAAAGGCTGCTGATGACA-3'
Protein context (NP_000362.1, residues 30-50): CPLMVKVLDA[Val40Ile]RGSPAINVAV

ClinVar aggregate classification (germline): Pathogenic. Review status: criteria provided, multiple submitters, no conflicts (2 of 4 stars). 9 submissions from 9 submitters: Pathogenic (7). 2 of the submissions do not count toward it. Last evaluated 2025-12-20.

Conditions:
TTR-related disorder. Also called: TTR-related disorders; TTR-related condition.
Cardiovascular phenotype. Identifiers: MedGen CN230736.
Amyloidosis, hereditary systemic 1 (AMYLD1). Also called: Transthyretin Amyloidosis; Hereditary oculoleptomeningeal amyloid angiopathy; Familial Transthyretin Amyloidosis; AMYLOID CARDIOMYOPATHY; Isolated Cardiac Amyloidosis; Amyloid Cardiomyopathy, Transthyretin-related. Identifiers: Orphanet 85447, Orphanet 85451, MedGen C2751492, MONDO:0971004, OMIM 105210.

Allele frequency attached by ClinVar (database versions not stated): gnomAD 0.00001; TOPMed below 0.00001.
gnomAD v4.1: 2 of 1,614,026 alleles (0.00012%); highest among the groups gnomAD compares: Non-Finnish European, 0.00017%; no homozygotes.

Submissions (9):

Labcorp Genetics (formerly Invitae), Labcorp
Classification: Pathogenic for Amyloidosis, hereditary systemic 1. Last evaluated: 2025-12-20. Review status: criteria provided, single submitter. Criteria: Invitae Variant Classification Sherloc (09022015). Collection method: clinical testing. Allele origin: germline.
Comment: This sequence change replaces valine, which is neutral and non-polar, with isoleucine, which is neutral and non-polar, at codon 40 of the TTR protein (p.Val40Ile). This variant is not present in population databases (gnomAD no frequency). This missense change has been observed in individual(s) with hereditary transthyretin-mediated amyloidosis (hATTR amyloidosis) (PMID: 20209591, 25291558). It has also been observed to segregate with disease in related individuals. This variant is also known as p.Val20Ile. ClinVar contains an entry for this variant (Variation ID: 13455). Invitae Evidence Modeling of protein sequence and biophysical properties (such as structural, functional, and spatial information, amino acid conservation, physicochemical variation, residue mobility, and thermodynamic stability) indicates that this missense variant is expected to disrupt TTR protein function with a positive predictive value of 95%. Experimental studies have shown that this missense change affects TTR function (PMID: 8692810, 15820680, 17503405). For these reasons, this variant has been classified as Pathogenic.

Ambry Genetics
Classification: Pathogenic for Cardiovascular phenotype. Last evaluated: 2024-03-19. Review status: criteria provided, single submitter. Criteria: Ambry Variant Classification Scheme 2023. Collection method: clinical testing. Allele origin: germline.
Comment: The c.118G>A (p.V40I) alteration is located in exon 2 (coding exon 2) of the TTR gene. This alteration results from a G to A substitution at nucleotide position 118, causing the valine (V) at amino acid position 40 to be replaced by an isoleucine (I). This variant was not reported in population-based cohorts in the Genome Aggregation Database (gnomAD). Another study in a cohort of 59 related individuals from a small village in southern Germany, in which this variant was prevalent, concluded that this variant results in a predominantly cardiac phenotype with high penetrance and late onset of symptoms (Bauer, 2014). In a retrospective study of 4459 patients in the United Kingdom who underwent TTR sequencing following referral for known or suspected amyloidosis, this alteration was detected in 7 individuals (0.16%) (Rowczenio, 2019). This amino acid position is highly conserved in available vertebrate species. A functional study found that, although the monomer of the protein with this alteration was more stable than the wild type, the dimer-dimer interaction appeared to be weakened, possibly leading to instability of the protein and a potential mechanism for reduced TTR concentration in plasma that was observed in carriers of the alteration (Altland, 2007). This alteration is predicted to be deleterious by in silico analysis. Based on the available evidence, this alteration is classified as pathogenic.

Illumina Laboratory Services, Illumina
Classification: Pathogenic for Amyloidosis, hereditary systemic 1. Last evaluated: 2023-11-20. Review status: criteria provided, single submitter. Criteria: ICSLVariantClassificationCriteria RUGD 01 April 2020. Collection method: clinical testing. Allele origin: unknown.
Comment: The TTR c.118G>A p.(Val40Ile) missense variant, also known as p.(Val20Ile), has been previously identified in multiple individuals with hereditary transthyretin amyloidosis (PMID: 8692810; 25291558; 30328212). Further, this variant has shown segregation with disease in a multi-generational family (PMID: 25291558). Functional studies conducted using patient tissue and purified protein demonstrated that this variant impacts protein stability (PMID: 8692810; 15820680). This variant is located in a mutational hotspot. This variant is not detected at a significant frequency in version 2.1.1 or version 4.0.0 of the Genome Aggregation Database. This variant has been classified as pathogenic by at least three submitters in ClinVar. Based on the available evidence, the c.118G>A p.(Val40Ile) variant has been classified as pathogenic for hereditary transthyretin amyloidosis.

CeGaT Center for Human Genetics Tuebingen
Classification: Pathogenic. Last evaluated: 2021-12-01. Review status: criteria provided, single submitter. Criteria: CeGaT Center For Human Genetics Tuebingen Variant Classification Criteria Version 2. Collection method: clinical testing. Allele origin: germline. Affected: yes. Observed: 1 variant allele.

ARUP Laboratories, Molecular Genetics and Genomics, ARUP Laboratories
Classification: Pathogenic. Last evaluated: 2021-02-24. Review status: criteria provided, single submitter. Criteria: ARUP Molecular Germline Variant Investigation Process 2021. Collection method: clinical testing. Allele origin: germline.
Comment: The TTR c.118G>A; p.Val40Ile variant (rs121918093), also known as p.Val20Ile, is reported in the literature in multiple individuals and one family affected with hereditary transthyretin-mediated amyloidosis (hATTR amyloidosis) (Auer-Grumbach 2020, Bauer 2014, Jenne 1996). Functional analyses of the variant protein show significantly reduced tetramer stability (Jenne 1996, Atland 2007, Sekijima 2005). This variant is also reported in ClinVar (Variation ID: 13455). This variant is absent from general population databases (Exome Variant Server, Genome Aggregation Database), indicating it is not a common polymorphism. The valine at codon 40 is highly conserved, and computational analyses are uncertain whether this variant is neutral or deleterious (REVEL: 0.697). Based on available information, this variant is considered to be pathogenic. References: Altland K et al. Genetic microheterogeneity of human transthyretin detected by IEF. Electrophoresis. 2007 Jun;28(12):2053-64. Auer-Grumbach M et al. Hereditary ATTR Amyloidosis in Austria: Prevalence and Epidemiological Hot Spots. J Clin Med. 2020 Jul 14;9(7):2234. Bauer R et al. The "Wagshurst study": p.Val40Ile transthyretin gene variant causes late-onset cardiomyopathy. Amyloid. 2014 Dec;21(4):267-75. Jenne DE et al. A new isoleucine substitution of Val-20 in transthyretin tetramers selectively impairs dimer-dimer contacts and causes systemic amyloidosis. Proc Natl Acad Sci U S A. 1996 Jun 25;93(13):6302-7. Sekijima Y et al. The biological and chemical basis for tissue-selective amyloid disease. Cell. 2005 Apr 8;121(1):73-85.

Blueprint Genetics
Classification: Pathogenic for TTR-related disorders. Last evaluated: 2017-09-15. Review status: criteria provided, single submitter. Criteria: ACMG Guidelines, 2015. Collection method: clinical testing. Allele origin: germline. Affected: yes. Observed: 1 variant allele.

GeneDx
Classification: Pathogenic. Last evaluated: 2017-08-24. Review status: criteria provided, single submitter. Criteria: GeneDx Variant Classification (06012015). Collection method: clinical testing. Allele origin: germline. Affected: yes.
Comment: This variant is denoted p.Val40Ile (V40I) GTC>ATC: c.118 G>A in exon 2 of the TTR gene (NM_000371.3). The Val40Ile variant (also known as Val20Ile, due to a difference in cDNA numbering) in the TTR gene, has been published in association with cardiac amyloidosis (Jenne D et al., 1996; Barreiros A et al., 2010). Jenne et al. (1996) reported the Val40Ile mutation in a German family with severe amyloid cardiomyopathy. The same study demonstrated that Val40Ile causes significant loss of tetramer stability. Mutations in nearby codons (Asp38Asn, Asp38Gly, Asp38Glu, Ser43Asn) have also been reported in association with amyloidosis, further supporting the functional importance of this region of the protein. Furthermore, Val40Ile was not detected in up to 400 control alleles from Caucasian and African American individuals tested at GeneDx, indicating it is not a common benign polymorphism in these populations. The variant is found in TTR panel(s).

Molecular Genetics Laboratory, BC Children's and BC Women's Hospitals
Classification: Pathogenic for Familial Transthyretin Amyloidosis. Last evaluated: 2019-02-21. Review status: no assertion criteria provided. Criteria: ACMG Guidelines, 2015; ACMG/AMP HL guidelines, 2018. Collection method: clinical testing. Allele origin: germline. Affected: yes. Not counted in ClinVar's aggregate classification.

OMIM
Classification: Pathogenic for AMYLOIDOSIS, HEREDITARY SYSTEMIC 1. Last evaluated: 1997-02-13. Review status: no assertion criteria provided. Collection method: literature only. Allele origin: germline. Not counted in ClinVar's aggregate classification.

Literature cited by the submitters: PubMed 20209591 (cited by Labcorp Genetics (formerly Invitae), Labcorp); PubMed 25291558 (cited by 3 submitters); PubMed 8692810 (cited by 4 submitters); PubMed 15820680 (cited by Labcorp Genetics (formerly Invitae), Labcorp and Illumina Laboratory Services, Illumina); PubMed 17503405 (cited by Labcorp Genetics (formerly Invitae), Labcorp and Ambry Genetics); PubMed 8990019 (cited by Ambry Genetics); PubMed 30328212 (cited by Ambry Genetics and Illumina Laboratory Services, Illumina); PubMed 9017939 (cited by OMIM).